The following is an entry in ClinVar:

ClinVar aggregate classification (germline): Likely pathogenic (1 of 4 stars; one submission).

Conditions:
Gorlin syndrome. Also called: Basal cell nevus syndrome; Nevoid Basal Cell Carcinoma Syndrome. Identifiers: Orphanet 377, MedGen C0004779, MONDO:0007187.

Submission:

Labcorp Genetics (formerly Invitae), Labcorp
Classification: Likely pathogenic for Gorlin syndrome. Last evaluated: 2019-08-24. Review status: criteria provided, single submitter. Criteria: Invitae Variant Classification Sherloc (09022015). Collection method: clinical testing. Allele origin: germline.
Comment: In summary, the currently available evidence indicates that the variant is pathogenic, but additional data are needed to prove that conclusively. Therefore, this variant has been classified as Likely Pathogenic. Algorithms developed to predict the effect of sequence changes on RNA splicing suggest that this variant may disrupt the consensus splice site, but this prediction has not been confirmed by published transcriptional studies. Donor and acceptor splice site variants typically lead to a loss of protein function (PMID: 16199547), and loss-of-function variants in PTCH1 are known to be pathogenic (PMID: 16301862, 16419085). This variant has not been reported in the literature in individuals with PTCH1-related conditions. This variant is not present in population databases (ExAC no frequency). This sequence change affects a donor splice site in intron 9 of the PTCH1 gene. It is expected to disrupt RNA splicing and likely results in an absent or disrupted protein product.

Literature cited by the submitters: PubMed 16199547; PubMed 16301862; PubMed 16419085.

NM_000264.5(PTCH1):c.1347+2T>C

Gene: PTCH1 (patched 1; minus strand). Cytogenetic location: 9q22.32.
Variant type: single nucleotide variant.
Coding change: c.1347+2T>C on transcript NM_000264.5 (MANE Select); the canonical splice donor site of the intron after coding-DNA position 1347, T replaced by C.
Molecular consequence: splice donor variant.
Genome position (GRCh38, 1-based): chr9:95,478,053, A>G on the plus strand (T>C on the coding strand, the complement: PTCH1 is on the minus strand). VCF-style: chr9-95478053-A-G. GRCh37 (hg19) VCF-style: chr9-98240335-A-G.
Other names: c.894+2T>C (NM_001083605.3, NM_001083604.3, NM_001083606.3 and 1 more transcripts); c.1344+2T>C (NM_001083603.3); c.1149+2T>C (NM_001083602.3); c.1347+2T>C (NM_001354918.2).
Identifiers: ClinVar variation 953607 (VCV000953607.8), dbSNP rs1841214135, ClinGen allele CA374118693.